The following is an entry in ClinVar:

ClinVar aggregate classification (germline): Likely benign. Review status: criteria provided, multiple submitters, no conflicts (2 of 4 stars). 2 submissions from 2 submitters: Likely benign (2). Last evaluated 2024-03-01.

Allele frequency attached by ClinVar (database versions not stated): gnomAD exomes below 0.00001; TOPMed below 0.00001; ExAC 0.00001.
gnomAD v4.1: 6 of 1,614,016 alleles (0.00037%); highest among the groups gnomAD compares: Non-Finnish European, 0.00042%; no homozygotes.

Submissions (2):

CeGaT Center for Human Genetics Tuebingen
Classification: Likely benign. Last evaluated: 2024-03-01. Review status: criteria provided, single submitter. Criteria: CeGaT Center For Human Genetics Tuebingen Variant Classification Criteria Version 2. Collection method: clinical testing. Allele origin: germline. Affected: yes. Observed: 1 variant allele.
Comment: ARL13B: BP4, BP7

Blueprint Genetics
Classification: Likely benign. Last evaluated: 2023-08-07. Review status: criteria provided, single submitter. Criteria: ACMG Guidelines, 2015. Collection method: clinical testing. Allele origin: germline.

NM_001174150.2(ARL13B):c.696A>G (p.Gln232=)

Gene: ARL13B (ARF like GTPase 13B; plus strand). Cytogenetic location: 3q11.2.
Variant type: single nucleotide variant.
Coding change: c.696A>G on transcript NM_001174150.2 (MANE Select); coding-DNA position 696, A replaced by G.
Protein change: p.Gln232=; no amino-acid change (glutamine 232 retained).
Molecular consequence: synonymous variant. On other transcripts: non-coding transcript variant (2).
Genome position (GRCh38, 1-based): chr3:94,039,886, A>G. VCF-style: chr3-94039886-A-G. GRCh37 (hg19) VCF-style: chr3-93758730-A-G.
Other names: c.387A>G, p.Gln129= (NM_001174151.2); c.651A>G, p.Gln217= (NM_001321328.2); c.696A>G, p.Gln232= (NM_001410782.1, NM_182896.3); c.375A>G, p.Gln125= (NM_144996.4).
Identifiers: ClinVar variation 3067342 (VCV003067342.22), dbSNP rs750426767, ClinGen allele CA2504139.